The following is an entry in ClinVar:

ClinVar aggregate classification (germline): Uncertain significance (1 of 4 stars; one submission).

Conditions:
Hereditary cancer-predisposing syndrome. Also called: Neoplastic Syndromes, Hereditary; Tumor predisposition; Hereditary Cancer Syndrome; Hereditary neoplastic syndrome. Identifiers: Orphanet 140162, MedGen C0027672, MeSH D009386, MONDO:0015356.

Submission:

Ambry Genetics
Classification: Uncertain significance for Hereditary cancer-predisposing syndrome. Last evaluated: 2021-12-13. Review status: criteria provided, single submitter. Criteria: Ambry Variant Classification Scheme 2023. Collection method: clinical testing. Allele origin: germline.
Comment: The p.G62V variant (also known as c.185G>T), located in coding exon 3 of the PMS2 gene, results from a G to T substitution at nucleotide position 185. The glycine at codon 62 is replaced by valine, an amino acid with dissimilar properties. This amino acid position is highly conserved in available vertebrate species. In addition, this alteration is predicted to be deleterious by in silico analysis. Since supporting evidence is limited at this time, the clinical significance of this alteration remains unclear.

NM_000535.7(PMS2):c.185G>T (p.Gly62Val)

Gene: PMS2 (PMS1 homolog 2, mismatch repair system component; minus strand). Cytogenetic location: 7p22.1.
Variant type: single nucleotide variant.
Coding change: c.185G>T on transcript NM_000535.7 (MANE Select); coding-DNA position 185, G replaced by T.
Protein change: p.Gly62Val; replaces glycine 62 with valine.
Molecular consequence: missense variant. On other transcripts: non-coding transcript variant (1), 5 prime UTR variant (11).
Genome position (GRCh38, 1-based): chr7:6,004,037, C>A on the plus strand (G>T on the coding strand, the complement: PMS2 is on the minus strand). VCF-style: chr7-6004037-C-A. GRCh37 (hg19) VCF-style: chr7-6043668-C-A.
Other names: c.-221G>T (NM_001406891.1, NM_001406893.1, NM_001406897.1 and 14 more transcripts); c.-168G>T (NM_001406892.1, NM_001406894.1, NM_001406895.1 and 6 more transcripts); c.-197G>T (NM_001406900.1, NM_001406881.1); c.-31G>T (NM_001406901.1, NM_001406902.1, NM_001406903.1 and 4 more transcripts); c.185G>T, p.Gly62Val (NM_001406912.1, NM_001322006.2, NM_001322014.2 and 10 more transcripts); c.-700G>T (NM_001322011.2, NM_001322012.2); c.-300G>T (NM_001322015.2, NM_001406875.1, NM_001406877.1 and 3 more transcripts); c.371G>T, p.Gly124Val (NM_001406866.1); and 2 more; short protein forms G62V, G124V.
Identifiers: ClinVar variation 1781481 (VCV001781481.2), dbSNP rs2128830403, ClinGen allele CA366744891.